The following is an entry in ClinVar:

NM_006899.5(IDH3B):c.73G>A (p.Gly25Ser)

Gene: IDH3B (isocitrate dehydrogenase (NAD(+)) 3 non-catalytic subunit beta; minus strand). Cytogenetic location: 20p13.
Variant type: single nucleotide variant.
Coding change: c.73G>A on transcript NM_006899.5 (MANE Select); coding-DNA position 73, G replaced by A.
Protein change: p.Gly25Ser; replaces glycine 25 with serine.
Molecular consequence: missense variant. On other transcripts: non-coding transcript variant (1).
Genome position (GRCh38, 1-based): chr20:2,663,969, C>T on the plus strand (G>A on the coding strand, the complement: IDH3B is on the minus strand). VCF-style: chr20-2663969-C-T. GRCh37 (hg19) VCF-style: chr20-2644615-C-T.
Other names: c.73G>A, p.Gly25Ser (NM_001258384.3, NM_001330763.2, NM_174855.4); short protein forms G25S.
Identifiers: ClinVar variation 895808 (VCV000895808.9), dbSNP rs112208578, ClinGen allele CA9735422.

ClinVar aggregate classification (germline): Conflicting classifications of pathogenicity. Review status: criteria provided, conflicting classifications (1 of 4 stars). 3 submissions from 3 submitters: Uncertain significance (2); Likely benign (1). Last evaluated 2024-06-17.

Conditions:
Retinitis pigmentosa (RP). Identifiers: Orphanet 791, MedGen C0035334, MeSH D012174, MONDO:0019200, OMIM 268000. Inheritance: Autosomal dominant, autosomal recessive and X linked inheritance.

Allele frequency attached by ClinVar (database versions not stated): ESP Exome Variant Server 0.00008; gnomAD 0.00011 and 0.00012; TOPMed 0.00011; gnomAD exomes 0.00013 and 0.00020; ExAC 0.00026.

Submissions (3):

Blueprint Genetics
Classification: Likely benign. Last evaluated: 2024-06-17. Review status: criteria provided, single submitter. Criteria: ACMG Guidelines, 2015. Collection method: clinical testing. Allele origin: germline.

Labcorp Genetics (formerly Invitae), Labcorp
Classification: Uncertain significance. Last evaluated: 2022-09-22. Review status: criteria provided, single submitter. Criteria: Invitae Variant Classification Sherloc (09022015). Collection method: clinical testing. Allele origin: germline.
Comment: This sequence change replaces glycine, which is neutral and non-polar, with serine, which is neutral and polar, at codon 25 of the IDH3B protein (p.Gly25Ser). This variant is present in population databases (rs112208578, gnomAD 0.04%). This variant has not been reported in the literature in individuals affected with IDH3B-related conditions. ClinVar contains an entry for this variant (Variation ID: 895808). Algorithms developed to predict the effect of missense changes on protein structure and function output the following: SIFT: "Not Available"; PolyPhen-2: "Benign"; Align-GVGD: "Not Available". The serine amino acid residue is found in multiple mammalian species, which suggests that this missense change does not adversely affect protein function. In summary, the available evidence is currently insufficient to determine the role of this variant in disease. Therefore, it has been classified as a Variant of Uncertain Significance.

Illumina Laboratory Services, Illumina
Classification: Uncertain significance for Retinitis pigmentosa. Last evaluated: 2018-01-12. Review status: criteria provided, single submitter. Criteria: ICSL Variant Classification Criteria 13 December 2019. Collection method: clinical testing. Allele origin: germline.